The following is an entry in ClinVar:

NM_145886.4(PIDD1):c.1917+1G>T

Gene: PIDD1 (p53-induced death domain protein 1; minus strand). Cytogenetic location: 11p15.5.
Variant type: single nucleotide variant.
Coding change: c.1917+1G>T on transcript NM_145886.4 (MANE Select); the canonical splice donor site of the intron after coding-DNA position 1917, G replaced by T.
Molecular consequence: splice donor variant.
Genome position (GRCh38, 1-based): chr11:800,761, C>A on the plus strand (G>T on the coding strand, the complement: PIDD1 is on the minus strand). VCF-style: chr11-800761-C-A. GRCh37 (hg19) VCF-style: chr11-800761-C-A.
Other names: c.1917+1G>T (NM_145887.4).
Identifiers: ClinVar variation 4056722 (VCV004056722.1).
Genomic context (GRCh38, chr11:800,761, plus strand): 5'-CTCTGCACCCCACCCCAGCCCTCTGGTCACCACCCTGCTGCCCTCCGGCCCGTGCCCCCA[C>A]CTTGTTTCGGGGCAGGCACTGCAGCAGGACCTGCTCAGGGTCCCGGCGCCGCTGCAGAGC-3'

ClinVar aggregate classification (germline): Pathogenic (1 of 4 stars; one submission).

Conditions:
Intellectual developmental disorder, autosomal recessive 75, with neuropsychiatric features and variant lissencephaly (MRT75). Identifiers: MedGen C5676961, MONDO:0030785, OMIM 619827.

Submission:

Laboratorio de Genetica e Diagnostico Molecular, Hospital Israelita Albert Einstein
Classification: Pathogenic for Intellectual developmental disorder, autosomal recessive 75, with neuropsychiatric features and variant lissencephaly. Last evaluated: 2024-09-24. Review status: criteria provided, single submitter. Criteria: ACMG Guidelines, 2015. Collection method: clinical testing. Allele origin: germline. Affected: yes.
Comment: ACMG classification criteria: PVS1 very strong, PM2 supporting, PM3 supporting